The following is an entry in ClinVar:

NM_000701.8(ATP1A1):c.39A>G (p.Ala13=)

Gene: ATP1A1 (ATPase Na+/K+ transporting subunit alpha 1; plus strand). Cytogenetic location: 1p13.1.
Variant type: single nucleotide variant.
Coding change: c.39A>G on transcript NM_000701.8 (MANE Select); coding-DNA position 39, A replaced by G.
Protein change: p.Ala13=; no amino-acid change (alanine 13 retained).
Molecular consequence: synonymous variant. On other transcripts: 5 prime UTR variant (1).
Genome position (GRCh38, 1-based): chr1:116,384,040, A>G. VCF-style: chr1-116384040-A-G. GRCh37 (hg19) VCF-style: chr1-116926662-A-G.
Other names: p.Ala13=; c.39A>G, p.Ala13= (NM_001160233.2); c.-55A>G (NM_001160234.2); c.39A>G (NM_000701.7).
Identifiers: ClinVar variation 1536522 (VCV001536522.44), dbSNP rs1060366, ClinGen allele CA1025003.

ClinVar aggregate classification (germline): Benign/Likely benign. Review status: criteria provided, multiple submitters, no conflicts (2 of 4 stars). 8 submissions from 8 submitters: Benign (5); Likely benign (3). Last evaluated 2026-09-01.

Conditions:
ATP1A1-related disorder. Also called: ATP1A1-related condition.

Allele frequency attached by ClinVar (database versions not stated): ExAC 0.00116; gnomAD 0.00130 and 0.00140; gnomAD exomes 0.00132 and 0.00152; TOPMed 0.00134; ESP Exome Variant Server 0.00177.
gnomAD v4.1: 2,422 of 1,614,016 alleles (0.15%); highest among the groups gnomAD compares: Non-Finnish European, 0.17%; 8 homozygotes.

Submissions (8):

CeGaT Center for Human Genetics Tuebingen
Classification: Likely benign. Last evaluated: 2026-09-01. Review status: criteria provided, single submitter. Criteria: CeGaT Center For Human Genetics Tuebingen Variant Classification Criteria Version 2. Collection method: clinical testing. Allele origin: germline. Affected: yes. Observed: 17 variant alleles.
Comment: ATP1A1: BP4, BP7

PreventionGenetics, part of Exact Sciences
Classification: Likely benign for ATP1A1-related condition. Last evaluated: 2026-02-22. Review status: criteria provided, single submitter. Criteria: ACMG Guidelines, 2015. Collection method: clinical testing. Allele origin: germline.
Comment: This variant is classified as likely benign based on ACMG/AMP sequence variant interpretation guidelines (Richards et al. 2015 PMID: 25741868, with internal and published modifications).

Labcorp Genetics (formerly Invitae), Labcorp
Classification: Benign. Last evaluated: 2026-02-04. Review status: criteria provided, single submitter. Criteria: Invitae Variant Classification Sherloc (09022015). Collection method: clinical testing. Allele origin: germline.

ARUP Laboratories, Molecular Genetics and Genomics, ARUP Laboratories
Classification: Benign. Last evaluated: 2025-04-30. Review status: criteria provided, single submitter. Criteria: ARUP Molecular Germline Variant Investigation Process 2024. Collection method: clinical testing. Allele origin: germline.

Blueprint Genetics
Classification: Likely benign. Last evaluated: 2024-11-26. Review status: criteria provided, single submitter. Criteria: ACMG Guidelines, 2015. Collection method: clinical testing. Allele origin: germline.

Women's Health and Genetics/Laboratory Corporation of America, LabCorp
Classification: Benign. Last evaluated: 2024-11-19. Review status: criteria provided, single submitter. Criteria: LabCorp Variant Classification Summary - May 2015. Collection method: clinical testing. Allele origin: germline.

Mayo Clinic Laboratories, Mayo Clinic
Classification: Benign. Last evaluated: 2023-05-30. Review status: criteria provided, single submitter. Criteria: ACMG Guidelines, 2015. Collection method: clinical testing. Allele origin: germline. Observed: 5 variant alleles.
Comment: BS1, BS2, BP4, BP7

Breakthrough Genomics
Classification: Benign. Review status: criteria provided, single submitter. Criteria: ACMG Guidelines, 2015. Collection method: not provided. Allele origin: germline. Inheritance: Autosomal dominant inheritance. Affected: yes.